The following is an entry in ClinVar:

ClinVar aggregate classification (germline): Pathogenic (1 of 4 stars; one submission).

Conditions:
MHC class II deficiency 4. Identifiers: MedGen C1859537, MONDO:0971015, OMIM 620817.

Submission:

3billion
Classification: Pathogenic for MHC class II deficiency 4. Last evaluated: 2025-10-15. Review status: criteria provided, single submitter. Criteria: ACMG Guidelines, 2015. Collection method: clinical testing. Allele origin: germline. Affected: yes.
Comment: The variant is not observed in the gnomAD v4.1.0 dataset. Predicted Consequence/Location: Frameshift: predicted to result in a loss or disruption of normal protein function through nonsense-mediated decay (NMD) or protein truncation. Multiple pathogenic variants are reported downstream of the variant. Therefore, this variant is classified as Pathogenic according to the recommendation of ACMG/AMP guideline.

NM_000538.4(RFXAP):c.588_589insT (p.Val197fs)

Genes: RFXAP (regulatory factor X associated protein; plus strand), LOC130009575 (ATAC-STARR-seq lymphoblastoid active region 7590; plus strand). Cytogenetic location: 13q13.3.
Variant type: Insertion.
Coding change: c.588_589insT on transcript NM_000538.4 (MANE Select); coding-DNA positions 588 to 589, T inserted.
Protein change: p.Val197fs; shifts the reading frame from valine 197.
Molecular consequence: frameshift variant.
Genome position: GRCh38 VCF-style: chr13-36819945-C-CT. GRCh37 (hg19) VCF-style: chr13-37394082-C-CT.
Other names: short protein forms V197fs.
Identifiers: ClinVar variation 4855096 (VCV004855096.1).